The following is an entry in ClinVar:

NM_201384.3(PLEC):c.6521C>T (p.Ala2174Val)

Gene: PLEC (plectin; minus strand). Cytogenetic location: 8q24.3.
Variant type: single nucleotide variant.
Coding change: c.6521C>T on transcript NM_201384.3 (MANE Select); coding-DNA position 6521, C replaced by T.
Protein change: p.Ala2174Val; replaces alanine 2174 with valine.
Molecular consequence: missense variant. On other transcripts: intron variant (1).
Genome position (GRCh38, 1-based): chr8:143,923,408, G>A on the plus strand (C>T on the coding strand, the complement: PLEC is on the minus strand). VCF-style: chr8-143923408-G-A. GRCh37 (hg19) VCF-style: chr8-144997576-G-A.
Other names: c.6602C>T, p.Ala2201Val (NM_000445.5); c.6479C>T, p.Ala2160Val (NM_201378.4); c.6455C>T, p.Ala2152Val (NM_201379.3); c.6932C>T, p.Ala2311Val (NM_201380.4); c.6425C>T, p.Ala2142Val (NM_201381.3); c.6521C>T, p.Ala2174Val (NM_201382.4); c.6533C>T, p.Ala2178Val (NM_201383.3); c.4126-1013C>T (NM_001410941.1); short protein forms A2152V, A2178V, A2311V, A2142V, A2160V, A2174V, A2201V.
Identifiers: ClinVar variation 2929995 (VCV002929995.3), dbSNP rs1823635633, ClinGen allele CA372533609.
Genomic context (GRCh38, chr8:143,923,408, plus strand): 5'-TGCAGCCGCAGTGTTGTCAGCTCCTGCTCCACCTGCGCCTTCTGCCGCAGCGTCTGCTCG[G>A]CGAATTTCTTATGCTTCTCCATCTCCGCGTCAGCTGCCTGCTTCTGCCGCAGGGCCGCCT-3'
Protein context (NP_958786.1, residues 2164-2184): DAEMEKHKKF[Ala2174Val]EQTLRQKAQV

ClinVar aggregate classification (germline): Uncertain significance (1 of 4 stars; one submission).

Conditions:
Epidermolysis bullosa simplex with nail dystrophy (EBS5D). Identifiers: MedGen C4225309, MONDO:0014661, OMIM 616487.
Epidermolysis bullosa simplex 5B, with muscular dystrophy (EBS5B). Also called: EPIDERMOLYSIS BULLOSA SIMPLEX AND LIMB-GIRDLE MUSCULAR DYSTROPHY; Epidermolysis bullosa simplex with muscular dystrophy. Identifiers: Orphanet 257, MedGen C2931072, MONDO:0009181, OMIM 226670.
Epidermolysis bullosa simplex 5C, with pyloric atresia (EBS5C). Also called: PLEC-Related Epidermolysis Bullosa with Pyloric Atresia; Epidermolysis bullosa simplex with pyloric atresia; PLEC1-Related Epidermolysis Bullosa with Pyloric Atresia. Identifiers: Orphanet 158684, MedGen C2677349, MONDO:0012807, OMIM 612138.
Autosomal recessive limb-girdle muscular dystrophy type 2Q (LGMDR17). Also called: MUSCULAR DYSTROPHY, LIMB-GIRDLE, AUTOSOMAL RECESSIVE 17. Identifiers: Orphanet 254361, MedGen C3150989, MONDO:0013390, OMIM 613723.
Epidermolysis bullosa simplex, Ogna type (EBS5A). Also called: Pidermolysis bullosa simplex 5A, Ogna type; EPIDERMOLYSIS BULLOSA SIMPLEX 5A, OGNA TYPE. Identifiers: Orphanet 79401, MedGen C0432317, MONDO:0007555, OMIM 131950.

Allele frequency attached by ClinVar (database versions not stated): gnomAD exomes below 0.00001; TOPMed below 0.00001; gnomAD 0.00001.
gnomAD v4.1: 4 of 1,610,628 alleles (0.00025%); highest among the groups gnomAD compares: Admixed American, 0.0033%; no homozygotes.

Submission:

Labcorp Genetics (formerly Invitae), Labcorp
Classification: Uncertain significance for Autosomal recessive limb-girdle muscular dystrophy type 2Q; Epidermolysis bullosa simplex, Ogna type; Epidermolysis bullosa simplex with nail dystrophy; Epidermolysis bullosa simplex 5C, with pyloric atresia; Epidermolysis bullosa simplex 5B, with muscular dystrophy. Last evaluated: 2023-11-01. Review status: criteria provided, single submitter. Criteria: Invitae Variant Classification Sherloc (09022015). Collection method: clinical testing. Allele origin: germline.
Comment: This sequence change replaces alanine, which is neutral and non-polar, with valine, which is neutral and non-polar, at codon 2201 of the PLEC protein (p.Ala2201Val). This variant is not present in population databases (gnomAD no frequency). This variant has not been reported in the literature in individuals affected with PLEC-related conditions. An algorithm developed to predict the effect of missense changes on protein structure and function (PolyPhen-2) suggests that this variant is likely to be disruptive. In summary, the available evidence is currently insufficient to determine the role of this variant in disease. Therefore, it has been classified as a Variant of Uncertain Significance.